The following is an entry in ClinVar:

NM_007294.4(BRCA1):c.5495_5496insTT (p.Val1833fs)

Gene: BRCA1 (BRCA1 DNA repair associated; minus strand). Cytogenetic location: 17q21.31.
Variant type: Insertion.
Coding change: c.5495_5496insTT on transcript NM_007294.4 (MANE Select); coding-DNA positions 5495 to 5496, TT inserted.
Protein change: p.Val1833fs; shifts the reading frame from valine 1833.
Molecular consequence: frameshift variant. On other transcripts: 3 prime UTR variant (1), non-coding transcript variant (1).
Genome position: GRCh38 VCF-style: chr17-43045774-C-CAA. GRCh37 (hg19) VCF-style: chr17-41197791-C-CAA.
Other names: c.5495_5496insTT, p.Val1833fs (NM_007294.3); c.5350_5351insTT, p.Val1785Trpfs (NM_001407734.1, NM_001407735.1, NM_001407736.1 and 18 more transcripts); c.5347_5348insTT, p.Val1784Trpfs (NM_001407838.1, NM_001407839.1, NM_001407841.1 and 12 more transcripts); c.*8_*9insTT (NM_001407854.1, NM_001407858.1, NM_001407859.1 and 13 more transcripts); c.5293_5294insTT, p.Val1766Trpfs (NM_001407862.1); c.5290_5291insTT, p.Val1765Trpfs (NM_001407863.1); c.5287_5288insTT, p.Val1764Trpfs (NM_001407874.1, NM_001407875.1); c.5284_5285insTT, p.Val1763Trpfs (NM_001407879.1, NM_001407881.1, NM_001407882.1 and 5 more transcripts); and 78 more; short protein forms V1854fs, V1786fs, V729fs, V1833fs.
Identifiers: ClinVar variation 548175 (VCV000548175.2), dbSNP rs1555574436, ClinGen allele CA658824708.
Genomic context (GRCh38, chr17:43,045,774, plus strand): 5'-GGTGTCCAGCTCCTGGCACTGGTAGAGTGCTACACTGTCCAACACCCACTCTCGGGTCAC[C>CAA]ACAGGTGCCTCACACATCTGCCCAATTGCTGGAGACAGAGAACACAAGCAGAGATTAGTG-3'

ClinVar aggregate classification (germline): Pathogenic (3 of 4 stars; one submission).

Conditions:
Breast-ovarian cancer, familial, susceptibility to, 1 (BROVCA1). Also called: BRCA1 Hereditary Breast and Ovarian Cancer; OVARIAN CANCER, SUSCEPTIBILITY TO. Identifiers: Orphanet 145, MedGen C2676676, MONDO:0011450, OMIM 604370. Disease mechanism: loss of function.

Submission:

Evidence-based Network for the Interpretation of Germline Mutant Alleles (ENIGMA)
Classification: Pathogenic for Breast-ovarian cancer, familial, susceptibility to, 1. Last evaluated: 2017-12-15. Review status: reviewed by expert panel. Criteria: ENIGMA BRCA1/2 Classification Criteria (2017-06-29). Collection method: curation. Allele origin: germline. Study: ENIGMA.
Comment: Variant allele predicted to encode a truncated non-functional protein.